The following is an entry in ClinVar:

ClinVar aggregate classification (germline): Uncertain significance (1 of 4 stars; one submission).

Conditions:
Cardiovascular phenotype. Identifiers: MedGen CN230736.
Hereditary cancer-predisposing syndrome. Also called: Neoplastic Syndromes, Hereditary; Tumor predisposition; Hereditary Cancer Syndrome; Hereditary neoplastic syndrome. Identifiers: Orphanet 140162, MedGen C0027672, MeSH D009386, MONDO:0015356.

Submission:

Ambry Genetics
Classification: Uncertain significance for Cardiovascular phenotype; Hereditary cancer-predisposing syndrome. Last evaluated: 2026-05-18. Review status: criteria provided, single submitter. Criteria: Ambry Variant Classification Scheme 2023. Collection method: clinical testing. Allele origin: germline.
Comment: The p.Y1668D variant (also known as c.5002T>G), located in coding exon 36 of the NF1 gene, results from a T to G substitution at nucleotide position 5002. The tyrosine at codon 1668 is replaced by aspartic acid, an amino acid with highly dissimilar properties. This amino acid position is highly conserved in available vertebrate species. In addition, this alteration is predicted to be deleterious by in silico analysis. Based on the available evidence, the clinical significance of this variant remains unclear.

NM_001042492.3(NF1):c.5065T>G (p.Tyr1689Asp)

Gene: NF1 (neurofibromin 1; plus strand). Cytogenetic location: 17q11.2.
Variant type: single nucleotide variant.
Coding change: c.5065T>G on transcript NM_001042492.3 (MANE Select); coding-DNA position 5065, T replaced by G.
Protein change: p.Tyr1689Asp; replaces tyrosine 1689 with aspartic acid.
Molecular consequence: missense variant.
Genome position (GRCh38, 1-based): chr17:31,326,049, T>G. VCF-style: chr17-31326049-T-G. GRCh37 (hg19) VCF-style: chr17-29653067-T-G.
Other names: c.5002T>G, p.Tyr1668Asp (NM_000267.4); short protein forms Y1668D, Y1689D.
Identifiers: ClinVar variation 4860972 (VCV004860972.1).